The following is an entry in ClinVar:

NM_001098511.3(KIF2A):c.1279T>C (p.Ser427Pro)

Gene: KIF2A (kinesin family member 2A; plus strand). Cytogenetic location: 5q12.1.
Variant type: single nucleotide variant.
Coding change: c.1279T>C on transcript NM_001098511.3 (MANE Select); coding-DNA position 1279, T replaced by C.
Protein change: p.Ser427Pro; replaces serine 427 with proline.
Molecular consequence: missense variant.
Genome position (GRCh38, 1-based): chr5:62,363,711, T>C. VCF-style: chr5-62363711-T-C. GRCh37 (hg19) VCF-style: chr5-61659538-T-C.
Other names: c.1198T>C, p.Ser400Pro (NM_001243952.2); c.1222T>C, p.Ser408Pro (NM_001243953.2); c.1279T>C, p.Ser427Pro (NM_004520.5); short protein forms S427P, S408P, S400P.
Identifiers: ClinVar variation 450872 (VCV000450872.12), dbSNP rs1554042228, ClinGen allele CA359951234.
Genomic context (GRCh38, chr5:62,363,711, plus strand): 5'-ATTGAAGTTTTTAATGTATCAAGATGTCCTTAATCACATTGTAGAACATCCGGTCAAACA[T>C]CTGCAAATGCACATTCATCTCGGAGCCATGCAGTGTTTCAGATTATTCTTAGAAGGAAAG-3'
Protein context (NP_001091981.1, residues 417-437): GNSCRTSGQT[Ser427Pro]ANAHSSRSHA

ClinVar aggregate classification (germline): Uncertain significance. Review status: criteria provided, multiple submitters, no conflicts (2 of 4 stars). 2 submissions from 2 submitters: Uncertain significance (2). Last evaluated 2022-02-28.

Allele frequency attached by ClinVar (database versions not stated): gnomAD exomes 0.00001.
gnomAD v4.1: 3 of 1,613,864 alleles (0.00019%); highest among the groups gnomAD compares: Non-Finnish European, 0.00025%; no homozygotes.

Submissions (2):

Labcorp Genetics (formerly Invitae), Labcorp
Classification: Uncertain significance. Last evaluated: 2022-02-28. Review status: criteria provided, single submitter. Criteria: Invitae Variant Classification Sherloc (09022015). Collection method: clinical testing. Allele origin: germline.
Comment: In summary, the available evidence is currently insufficient to determine the role of this variant in disease. Therefore, it has been classified as a Variant of Uncertain Significance. Algorithms developed to predict the effect of missense changes on protein structure and function are either unavailable or do not agree on the potential impact of this missense change (SIFT: "Deleterious"; PolyPhen-2: "Probably Damaging"; Align-GVGD: "Class C0"). ClinVar contains an entry for this variant (Variation ID: 450872). This variant has not been reported in the literature in individuals affected with KIF2A-related conditions. This variant is not present in population databases (gnomAD no frequency). This sequence change replaces serine, which is neutral and polar, with proline, which is neutral and non-polar, at codon 427 of the KIF2A protein (p.Ser427Pro).

GeneDx
Classification: Uncertain significance. Last evaluated: 2022-02-04. Review status: criteria provided, single submitter. Criteria: GeneDx Variant Classification Process June 2021. Collection method: clinical testing. Allele origin: germline. Affected: yes.
Comment: Has not been previously published as pathogenic or benign to our knowledge; Not observed in large population cohorts (gnomAD); In silico analysis supports that this missense variant has a deleterious effect on protein structure/function